The following is an entry in ClinVar:

NC_000006.11:g.(?_47564630)_(47567630_?)del

Gene: CD2AP (CD2 associated protein; plus strand). Cytogenetic location: 6p12.3.
Variant type: Deletion.
Identifiers: ClinVar variation 3246214 (VCV003246214.1).

ClinVar aggregate classification (germline): Pathogenic (1 of 4 stars; one submission).

Submission:

Labcorp Genetics (formerly Invitae), Labcorp
Classification: Pathogenic. Last evaluated: 2023-07-09. Review status: criteria provided, single submitter. Criteria: Invitae Variant Classification Sherloc (09022015). Collection method: clinical testing. Allele origin: unknown.
Comment: This variant is a gross deletion of the genomic region encompassing exon(s) 13 of the CD2AP gene. This deletion is out-of-frame, and is expected to create a premature termination codon and result in an absent or disrupted protein product. Loss-of-function variants in CD2AP are known to be pathogenic (PMID: 10514378, 12764198, 17713465, 19131354, 30612599, 34408996). This variant has not been reported in the literature in individuals affected with CD2AP-related conditions. For these reasons, this variant has been classified as Pathogenic.

Literature cited by the submitters: PubMed 10514378; PubMed 12764198; PubMed 17713465; PubMed 19131354; PubMed 30612599; PubMed 34408996.